The following is an entry in ClinVar:

ClinVar aggregate classification (germline): Uncertain significance (1 of 4 stars; one submission).

Conditions:
Hypertrophic cardiomyopathy. Also called: HYPERTROPHIC MYOCARDIOPATHY. Identifiers: Orphanet 217569, MedGen C0007194, MeSH D002312, MONDO:0005045, HP:0001639.

Submission:

Labcorp Genetics (formerly Invitae), Labcorp
Classification: Uncertain significance for Hypertrophic cardiomyopathy. Last evaluated: 2024-03-20. Review status: criteria provided, single submitter. Criteria: Invitae Variant Classification Sherloc (09022015). Collection method: clinical testing. Allele origin: germline.
Comment: This sequence change affects a donor splice site in intron 36 of the MYH7 gene. It is expected to disrupt RNA splicing. Variants that disrupt the donor or acceptor splice site typically lead to a loss of protein function (PMID: 16199547), however the current clinical and genetic evidence is not sufficient to establish whether loss-of-function variants in MYH7 cause disease. This variant is not present in population databases (gnomAD no frequency). This variant has not been reported in the literature in individuals affected with MYH7-related conditions. Algorithms developed to predict the effect of sequence changes on RNA splicing suggest that this variant may disrupt the consensus splice site. In summary, the available evidence is currently insufficient to determine the role of this variant in disease. Therefore, it has been classified as a Variant of Uncertain Significance.

Literature cited by the submitters: PubMed 16199547.

NM_000257.4(MYH7):c.5283+1G>T

Genes: MYH7 (myosin heavy chain 7; minus strand), LOC126861897 (BRD4-independent group 4 enhancer GRCh37_chr14:23884455-23885654; plus strand). Cytogenetic location: 14q11.2.
Variant type: single nucleotide variant.
Coding change: c.5283+1G>T on transcript NM_000257.4 (MANE Select); the canonical splice donor site of the intron after coding-DNA position 5283, G replaced by T.
Molecular consequence: splice donor variant.
Genome position (GRCh38, 1-based): chr14:23,415,380, C>A on the plus strand (G>T on the coding strand, the complement: MYH7 is on the minus strand). VCF-style: chr14-23415380-C-A. GRCh37 (hg19) VCF-style: chr14-23884589-C-A.
Other names: c.5283+1G>T (NM_001407004.1).
Identifiers: ClinVar variation 3646342 (VCV003646342.2).